The following is an entry in ClinVar:

NM_013296.5(GPSM2):c.172C>T (p.Leu58=)

Gene: GPSM2 (G protein signaling modulator 2; plus strand). Cytogenetic location: 1p13.3.
Variant type: single nucleotide variant.
Coding change: c.172C>T on transcript NM_013296.5 (MANE Select); coding-DNA position 172, C replaced by T.
Protein change: p.Leu58=; no amino-acid change (leucine 58 retained).
Molecular consequence: synonymous variant.
Genome position (GRCh38, 1-based): chr1:108,896,979, C>T. VCF-style: chr1-108896979-C-T. GRCh37 (hg19) VCF-style: chr1-109439601-C-T.
Other names: c.172C>T, p.Leu58= (NM_001321038.2, NM_001321039.3).
Identifiers: ClinVar variation 391747 (VCV000391747.4), dbSNP rs1057524219, ClinGen allele CA16603387.
Genomic context (GRCh38, chr1:108,896,979, plus strand): 5'-GGAGACTGCCGCGCTGGCGTGTCATTCTTTGAAGCTGCAGTTCAAGTTGGAACTGAAGAC[C>T]TAAAAACACTTAGCGCTATTTACAGCCAGTTGGGCAATGCTTATTTCTATTTGCATGATT-3'
Protein context (NP_037428.3, residues 48-68): EAAVQVGTED[Leu58=]KTLSAIYSQL

ClinVar aggregate classification (germline): Likely benign. Review status: criteria provided, multiple submitters, no conflicts (2 of 4 stars). 2 submissions from 2 submitters: Likely benign (2). Last evaluated 2023-02-09.

Allele frequency attached by ClinVar (database versions not stated): gnomAD exomes below 0.00001; gnomAD 0.00002; TOPMed 0.00002.
gnomAD v4.1: 6 of 1,613,858 alleles (0.00037%); highest among the groups gnomAD compares: Admixed American, 0.0067%; no homozygotes.

Submissions (2):

Labcorp Genetics (formerly Invitae), Labcorp
Classification: Likely benign. Last evaluated: 2023-02-09. Review status: criteria provided, single submitter. Criteria: Invitae Variant Classification Sherloc (09022015). Collection method: clinical testing. Allele origin: germline.

GeneDx
Classification: Likely benign. Last evaluated: 2016-12-15. Review status: criteria provided, single submitter. Criteria: GeneDx Variant Classification (06012015). Collection method: clinical testing. Allele origin: germline. Affected: yes.
Comment: This variant is considered likely benign or benign based on one or more of the following criteria: it is a conservative change, it occurs at a poorly conserved position in the protein, it is predicted to be benign by multiple in silico algorithms, and/or has population frequency not consistent with disease.